The following is an entry in ClinVar:

ClinVar aggregate classification (germline): Uncertain significance (1 of 4 stars; one submission).

Conditions:
Cardiovascular phenotype. Identifiers: MedGen CN230736.

Submission:

Molecular Diagnostic Laboratory for Inherited Cardiovascular Disease, Montreal Heart Institute
Classification: Uncertain significance for Cardiovascular phenotype. Last evaluated: 2025-04-09. Review status: criteria provided, single submitter. Criteria: ACMG Guidelines, 2015. Collection method: clinical testing. Allele origin: germline. Affected: yes.
Comment: PVS1_mod, PM2

NM_144573.4(NEXN):c.475_478delinsTAAA (p.Glu159_Ser160delinsTer)

Gene: NEXN (nexilin F-actin binding protein; plus strand). Cytogenetic location: 1p31.1.
Variant type: Indel.
Coding change: c.475_478delinsTAAA on transcript NM_144573.4 (MANE Select); coding-DNA positions 475 to 478, GAAT replaced by TAAA.
Protein change: p.Glu159_Ser160delinsTer.
Molecular consequence: nonsense.
Genome position (GRCh38, 1-based): chr1:77,925,215-77,925,218, GAAT replaced by TAAA. VCF-style: chr1-77925215-GAAT-TAAA. GRCh37 (hg19) VCF-style: chr1-78390900-GAAT-TAAA.
Other names: c.283_286delinsTAAA, p.Glu95_Ser96delinsTer (NM_001172309.2); c.475_478delGAATinsTAAA, p.Glu159Ter (NM_144573.3); short protein forms E159*.
Identifiers: ClinVar variation 3895237 (VCV003895237.1).